The following is an entry in ClinVar:

NM_003072.5(SMARCA4):c.2262C>T (p.Leu754=)

Gene: SMARCA4 (SWI/SNF related BAF chromatin remodeling complex subunit ATPase 4; plus strand). Cytogenetic location: 19p13.2.
Variant type: single nucleotide variant.
Coding change: c.2262C>T on transcript NM_003072.5 (MANE Select); coding-DNA position 2262, C replaced by T.
Protein change: p.Leu754=; no amino-acid change (leucine 754 retained).
Molecular consequence: synonymous variant. On other transcripts: non-coding transcript variant (1).
Genome position (GRCh38, 1-based): chr19:11,010,519, C>T. VCF-style: chr19-11010519-C-T. GRCh37 (hg19) VCF-style: chr19-11121195-C-T.
Other names: c.2262C>T, p.Leu754= (NM_001128844.3, NM_001128845.2, NM_001128846.2 and 4 more transcripts).
Identifiers: ClinVar variation 793738 (VCV000793738.10), dbSNP rs1600188816, ClinGen allele CA505487483.

ClinVar aggregate classification (germline): Benign/Likely benign. Review status: criteria provided, multiple submitters, no conflicts (2 of 4 stars). 2 submissions from 2 submitters: Benign (1); Likely benign (1). Last evaluated 2026-07-13.

Conditions:
Rhabdoid tumor predisposition syndrome 2 (RTPS2). Identifiers: Orphanet 231108, Orphanet 69077, MedGen C2750074, MONDO:0013224, OMIM 613325.

Submissions (2):

Myriad Genetics, Inc.
Classification: Benign for Rhabdoid tumor predisposition syndrome 2. Last evaluated: 2026-07-13. Review status: criteria provided, single submitter. Criteria: Myriad Autosomal Dominant, Autosomal Recessive and X-Linked Classification Criteria (2023). Collection method: clinical testing. Allele origin: unknown.
Comment: This variant is considered benign. This variant is a silent/synonymous amino acid change and it is not expected to impact splicing.

Labcorp Genetics (formerly Invitae), Labcorp
Classification: Likely benign for Rhabdoid tumor predisposition syndrome 2. Last evaluated: 2024-10-10. Review status: criteria provided, single submitter. Criteria: Invitae Variant Classification Sherloc (09022015). Collection method: clinical testing. Allele origin: germline.